The following is an entry in ClinVar:

NM_001009944.3(PKD1):c.278T>A (p.Leu93Gln)

Gene: PKD1 (polycystin 1, transient receptor potential channel interacting; minus strand). Cytogenetic location: 16p13.3.
Variant type: single nucleotide variant.
Coding change: c.278T>A on transcript NM_001009944.3 (MANE Select); coding-DNA position 278, T replaced by A.
Protein change: p.Leu93Gln; replaces leucine 93 with glutamine.
Molecular consequence: missense variant.
Genome position (GRCh38, 1-based): chr16:2,119,316, A>T on the plus strand (T>A on the coding strand, the complement: PKD1 is on the minus strand). VCF-style: chr16-2119316-A-T. GRCh37 (hg19) VCF-style: chr16-2169317-A-T.
Other names: c.278T>A, p.Leu93Gln (NM_000296.4); short protein forms L93Q.
Identifiers: ClinVar variation 4849204 (VCV004849204.1).

ClinVar aggregate classification (germline): Uncertain significance (1 of 4 stars; one submission).

Conditions:
Polycystic kidney disease, adult type (PKD1). Also called: Polycystic Kidney Disease 1, Autosomal Dominant; Polycystic kidney disease 1; Polycystic kidney disease 1, severe; POLYCYSTIC KIDNEY DISEASE 1 WITH OR WITHOUT POLYCYSTIC LIVER DISEASE; Polycystic Kidney, Autosomal Dominant; POLYCYSTIC KIDNEY DISEASE, ADULT, TYPE I. Identifiers: MedGen C3149841, MONDO:0008263, OMIM 173900.

Submission:

MVZ Medizinische Genetik Mainz
Classification: Uncertain significance for Polycystic kidney disease, adult type. Last evaluated: 2026-03-25. Review status: criteria provided, single submitter. Criteria: UK Practice Guidelines For Variant Classification V4 01 2020. Collection method: clinical testing. Allele origin: germline. Inheritance: Autosomal dominant inheritance. Affected: yes. Observed: 1 variant allele.
Comment: ACMG Criteria: PM2_SUP,PM5_SUP,PP3,PP4